The following is an entry in ClinVar:

ClinVar aggregate classification (germline): Conflicting classifications of pathogenicity. Review status: criteria provided, conflicting classifications (1 of 4 stars). 3 submissions from 3 submitters: Uncertain significance (1); Likely benign (1). 1 of the submissions does not count toward it. Last evaluated 2025-10-21.

Conditions:
Emery-Dreifuss muscular dystrophy 5, autosomal dominant (EDMD5). Also called: EMERY-DREIFUSS MUSCULAR DYSTROPHY 5. Identifiers: Orphanet 261, MedGen C2751805, MONDO:0013072, OMIM 612999.
SYNE2-related disorder. Also called: SYNE2-related condition.

Allele frequency attached by ClinVar (database versions not stated): gnomAD 0.00004 and 0.00018; TOPMed 0.00008; gnomAD exomes 0.00018 and 0.00036; ExAC 0.00043; 1000 Genomes Project 0.00120; 1000 Genomes Project 30x 0.00141.
gnomAD v4.1: 294 of 1,613,158 alleles (0.018%); highest among the groups gnomAD compares: South Asian, 0.25%; 3 homozygotes.

Submissions (3):

Labcorp Genetics (formerly Invitae), Labcorp
Classification: Likely benign for Emery-Dreifuss muscular dystrophy 5, autosomal dominant. Last evaluated: 2025-10-21. Review status: criteria provided, single submitter. Criteria: Invitae Variant Classification Sherloc (09022015). Collection method: clinical testing. Allele origin: germline.

Ambry Genetics
Classification: Uncertain significance. Last evaluated: 2021-09-17. Review status: criteria provided, single submitter. Criteria: Ambry Variant Classification Scheme 2023. Collection method: clinical testing. Allele origin: germline.

PreventionGenetics, part of Exact Sciences
Classification: Likely benign for SYNE2-related condition. Last evaluated: 2020-11-27. Review status: no assertion criteria provided. Collection method: clinical testing. Allele origin: germline. Not counted in ClinVar's aggregate classification.
Comment: This variant is classified as likely benign based on ACMG/AMP sequence variant interpretation guidelines (Richards et al. 2015 PMID: 25741868, with internal and published modifications).

NM_182914.3(SYNE2):c.9691C>T (p.Arg3231Cys)

Gene: SYNE2 (spectrin repeat containing nuclear envelope protein 2; plus strand). Cytogenetic location: 14q23.2.
Variant type: single nucleotide variant.
Coding change: c.9691C>T on transcript NM_182914.3 (MANE Select); coding-DNA position 9691, C replaced by T.
Protein change: p.Arg3231Cys; replaces arginine 3231 with cysteine.
Molecular consequence: missense variant.
Genome position (GRCh38, 1-based): chr14:64,053,604, C>T. VCF-style: chr14-64053604-C-T. GRCh37 (hg19) VCF-style: chr14-64520322-C-T.
Other names: c.9691C>T, p.Arg3231Cys (NM_015180.6); short protein forms R3231C.
Identifiers: ClinVar variation 538372 (VCV000538372.15), dbSNP rs546650178, ClinGen allele CA7221313.
Genomic context (GRCh38, chr14:64,053,604, plus strand): 5'-GCTATTGAGAAACAAAGAGAAGAAAACTCTTCTGAAGCGAGTGATGTGGAGACAAAACTA[C>T]GTGAGTTTGAAGATCTTCAGATGCAGCTTAACACAAGCATTGATTTGCGCACAGTAAGTT-3'
Protein context (NP_878918.2, residues 3221-3241): SEASDVETKL[Arg3231Cys]EFEDLQMQLN